The following is an entry in ClinVar:

NM_000350.3(ABCA4):c.3370G>A (p.Asp1124Asn)

Gene: ABCA4 (ATP binding cassette subfamily A member 4; minus strand). Cytogenetic location: 1p22.1.
Variant type: single nucleotide variant.
Coding change: c.3370G>A on transcript NM_000350.3 (MANE Select); coding-DNA position 3370, G replaced by A.
Protein change: p.Asp1124Asn; replaces aspartic acid 1124 with asparagine.
Molecular consequence: missense variant.
Genome position (GRCh38, 1-based): chr1:94,041,361, C>T on the plus strand (G>A on the coding strand, the complement: ABCA4 is on the minus strand). VCF-style: chr1-94041361-C-T. GRCh37 (hg19) VCF-style: chr1-94506917-C-T.
Other names: c.3370G>A (NM_000350.2); c.3148G>A, p.Asp1050Asn (NM_001425324.1); short protein forms D1124N, D1050N.
Identifiers: ClinVar variation 1038084 (VCV001038084.6), dbSNP rs770774738, ClinGen allele CA957950.

ClinVar aggregate classification (germline): Uncertain significance. Review status: criteria provided, multiple submitters, no conflicts (2 of 4 stars). 3 submissions from 3 submitters: Uncertain significance (3). Last evaluated 2025-01-23.

Conditions:
Inborn genetic diseases. Identifiers: MedGen C0950123, MeSH D030342.

Allele frequency attached by ClinVar (database versions not stated): gnomAD 0.00005; ExAC 0.00007; gnomAD exomes 0.00009; TOPMed 0.00012.

Submissions (3):

Ambry Genetics
Classification: Uncertain significance for Inborn genetic diseases. Last evaluated: 2025-01-23. Review status: criteria provided, single submitter. Criteria: Ambry Variant Classification Scheme 2023. Collection method: clinical testing. Allele origin: germline.

Blueprint Genetics
Classification: Uncertain significance. Last evaluated: 2023-09-27. Review status: criteria provided, single submitter. Criteria: ACMG Guidelines, 2015. Collection method: clinical testing. Allele origin: germline.

Labcorp Genetics (formerly Invitae), Labcorp
Classification: Uncertain significance. Last evaluated: 2022-07-19. Review status: criteria provided, single submitter. Criteria: Invitae Variant Classification Sherloc (09022015). Collection method: clinical testing. Allele origin: germline.
Comment: This sequence change replaces aspartic acid, which is acidic and polar, with asparagine, which is neutral and polar, at codon 1124 of the ABCA4 protein (p.Asp1124Asn). This variant is present in population databases (rs770774738, gnomAD 0.06%). This variant has not been reported in the literature in individuals affected with ABCA4-related conditions. ClinVar contains an entry for this variant (Variation ID: 1038084). Advanced modeling of protein sequence and biophysical properties (such as structural, functional, and spatial information, amino acid conservation, physicochemical variation, residue mobility, and thermodynamic stability) performed at Invitae indicates that this missense variant is expected to disrupt ABCA4 protein function. In summary, the available evidence is currently insufficient to determine the role of this variant in disease. Therefore, it has been classified as a Variant of Uncertain Significance.